The following is an entry in ClinVar:

NM_031220.4(PITPNM3):c.1546C>T (p.Arg516Trp)

Gene: PITPNM3 (PITPNM family member 3; minus strand). Cytogenetic location: 17p13.2.
Variant type: single nucleotide variant.
Coding change: c.1546C>T on transcript NM_031220.4 (MANE Select); coding-DNA position 1546, C replaced by T.
Protein change: p.Arg516Trp; replaces arginine 516 with tryptophan.
Molecular consequence: missense variant.
Genome position (GRCh38, 1-based): chr17:6,471,239, G>A on the plus strand (C>T on the coding strand, the complement: PITPNM3 is on the minus strand). VCF-style: chr17-6471239-G-A. GRCh37 (hg19) VCF-style: chr17-6374559-G-A.
Other names: c.1438C>T, p.Arg480Trp (NM_001165966.2); short protein forms R516W, R480W.
Identifiers: ClinVar variation 937250 (VCV000937250.8), dbSNP rs141925905, ClinGen allele CA8329479.
Genomic context (GRCh38, chr17:6,471,239, plus strand): 5'-GTGCCATGCTGTCCGAGGACTCCGAGCTCTCGCTGTGGGAGCTCCCCTCGCTCATCCTCC[G>A]TCCTGGGCGCTGGAACCTCGAGGCCTGAGGGGGCGAGGCAGGGGCATCCAGAAGTGGCGG-3'
Protein context (NP_112497.2, residues 506-526): PQASRFQRPG[Arg516Trp]RMSEGSSHSE

ClinVar aggregate classification (germline): Uncertain significance. Review status: criteria provided, multiple submitters, no conflicts (2 of 4 stars). 2 submissions from 2 submitters: Uncertain significance (2). Last evaluated 2026-01-19.

Allele frequency attached by ClinVar (database versions not stated): ExAC 0.00006; gnomAD exomes 0.00006; ESP Exome Variant Server 0.00008; gnomAD 0.00013 and 0.00016; TOPMed 0.00013.
gnomAD v4.1: 62 of 1,613,308 alleles (0.0038%); highest among the groups gnomAD compares: African/African-American, 0.053%; 1 homozygote.

Submissions (2):

Labcorp Genetics (formerly Invitae), Labcorp
Classification: Uncertain significance. Last evaluated: 2026-01-19. Review status: criteria provided, single submitter. Criteria: Invitae Variant Classification Sherloc (09022015). Collection method: clinical testing. Allele origin: germline.
Comment: This sequence change replaces arginine, which is basic and polar, with tryptophan, which is neutral and slightly polar, at codon 516 of the PITPNM3 protein (p.Arg516Trp). This variant is present in population databases (rs141925905, gnomAD 0.05%), and has an allele count higher than expected for a pathogenic variant. This variant has not been reported in the literature in individuals affected with PITPNM3-related conditions. ClinVar contains an entry for this variant (Variation ID: 937250). Invitae Evidence Modeling of protein sequence and biophysical properties (such as structural, functional, and spatial information, amino acid conservation, physicochemical variation, residue mobility, and thermodynamic stability) indicates that this missense variant is not expected to disrupt PITPNM3 protein function with a negative predictive value of 80%. In summary, the available evidence is currently insufficient to determine the role of this variant in disease. Therefore, it has been classified as a Variant of Uncertain Significance.

Ambry Genetics
Classification: Uncertain significance. Last evaluated: 2025-09-04. Review status: criteria provided, single submitter. Criteria: Ambry Variant Classification Scheme 2023. Collection method: clinical testing. Allele origin: germline.